The following continues an entry in ClinVar:

NM_000059.4(BRCA2):c.5390C>G (p.Ala1797Gly)

Gene: BRCA2. ClinVar aggregate classification (germline): Conflicting classifications of pathogenicity. Uncertain significance (7); Likely benign (3).

Submissions 10 to 16 of 16:

Genome Diagnostics Laboratory, University Medical Center Utrecht
Classification: Likely benign for Breast-ovarian cancer, familial, susceptibility to, 2. Last evaluated: 2017-07-28. Review status: criteria provided, single submitter. Criteria: ACGS Guidelines, 2013. Collection method: clinical testing. Allele origin: germline. Affected: yes. Study: VKGL Data-share Consensus.

Department of Medical and Surgical Sciences, University of Bologna
Classification: Likely benign for Breast-ovarian cancer, familial, susceptibility to, 2. Last evaluated: 2023-09-01. Review status: no assertion criteria provided. Collection method: clinical testing. Allele origin: germline. Affected: yes. Not counted in ClinVar's aggregate classification.
Comment: BP1(Strong) according to ACMG/AMP classification guidelines specified for BRCA1 & BRCA2 (Classification Criteria V1.0.0 2023-09-08) (PMID: 38160042)

Counsyl
Classification: Uncertain significance for Breast-ovarian cancer, familial, susceptibility to, 2. Last evaluated: 2017-07-11. Review status: no assertion criteria provided. Collection method: clinical testing. Allele origin: unknown. Not counted in ClinVar's aggregate classification.

Breast Cancer Information Core (BIC) (BRCA2)
Classification: Uncertain significance for Breast-ovarian cancer, familial 2. Last evaluated: 2003-12-23. Review status: no assertion criteria provided. Collection method: clinical testing. Allele origin: germline. Affected: yes. Observed: 1 variant allele. Not counted in ClinVar's aggregate classification.

Clinical Genetics Laboratory, Department of Pathology, Netherlands Cancer Institute
Classification: Likely benign. Review status: no assertion criteria provided. Collection method: clinical testing. Allele origin: germline. Affected: yes. Study: VKGL Data-share Consensus. Not counted in ClinVar's aggregate classification.

Department of Pathology and Laboratory Medicine, Sinai Health System
Classification: Uncertain significance. Review status: no assertion criteria provided. Collection method: clinical testing. Allele origin: unknown. Affected: yes. Observed: 7 variant alleles. Study: The Canadian Open Genetics Repository (COGR). Not counted in ClinVar's aggregate classification.
Comment: The BRCA2 C.5390C>G variant has not been reported in the literature nor previously identified by our laboratory. It is reported in BIC as a variant with unknown pathogenicity, and also listed in dbDNP (rs-id: rs80358760) identified from a clinical source with no frequency information provided. This is a missense alteration, which changes the residue Ala to Gly in the protein sequence coded by exon 11 (p.Ala1797Gly), which may have an impact on the function, however the SIFT program predicts this variant to be benign. In summary, based on the above information alone the clinical significance of this variant cannot be determined with certainty at the current time. Classified under ACMG-4

Joint Genome Diagnostic Labs from Nijmegen and Maastricht, Radboudumc and MUMC+
Classification: Likely benign. Review status: no assertion criteria provided. Collection method: clinical testing. Allele origin: germline. Affected: yes. Study: VKGL Data-share Consensus. Not counted in ClinVar's aggregate classification.

Literature cited by the submitters: PubMed 30254663 (cited by 4 submitters); PubMed 31131967 (cited by Color Diagnostics, LLC DBA Color Health); PubMed 31853058 (cited by Color Diagnostics, LLC DBA Color Health); PubMed 33471991 (cited by 3 submitters); PubMed 27930734 (cited by Quest Diagnostics Nichols Institute San Juan Capistrano and Counsyl); PubMed 31911673 (cited by Quest Diagnostics Nichols Institute San Juan Capistrano); PubMed 34572941 (cited by Quest Diagnostics Nichols Institute San Juan Capistrano and All of Us Research Program, National Institutes of Health).